The following is an entry in ClinVar:

ClinVar aggregate classification (germline): Uncertain significance (1 of 4 stars; one submission).

Submission:

Labcorp Genetics (formerly Invitae), Labcorp
Classification: Uncertain significance. Last evaluated: 2024-03-31. Review status: criteria provided, single submitter. Criteria: Invitae Variant Classification Sherloc (09022015). Collection method: clinical testing. Allele origin: germline.
Comment: This variant, c.50_52dup, results in the insertion of 1 amino acid(s) of the LHCGR protein (p.Leu17dup), but otherwise preserves the integrity of the reading frame. The frequency data for this variant in the population databases is considered unreliable, as metrics indicate poor data quality at this position in the gnomAD database. This variant has not been reported in the literature in individuals affected with LHCGR-related conditions. In summary, the available evidence is currently insufficient to determine the role of this variant in disease. Therefore, it has been classified as a Variant of Uncertain Significance.

NM_000233.4(LHCGR):c.38TGC[6] (p.Leu17_Gln18insLeu)

Genes: LHCGR (luteinizing hormone/choriogonadotropin receptor; minus strand), STON1-GTF2A1L (STON1-GTF2A1L readthrough; plus strand). Cytogenetic location: 2p16.3.
Variant type: Microsatellite.
Coding change: c.38TGC[6] on transcript NM_000233.4 (MANE Select); six copies in a row of the 3-base unit TGC starting at c.38; the reference has five copies in a row; one copy, 3 bases duplicated.
Protein change: p.Leu17_Gln18insLeu.
Molecular consequence: inframe insertion. On other transcripts: intron variant (1).
Genome position (GRCh38, 1-based): chr2:48,755,620-48,755,622, GCA duplicated on the plus strand (TGC on the coding strand, the reverse complement: LHCGR is on the minus strand); duplicating any 3 consecutive bases within chr2:48,755,620-48,755,636 gives the same sequence; the position shown is the placement nearest the transcript's 3' end. VCF-style (leftmost placement, unchanged base first): chr2-48755619-T-TGCA. GRCh37 (hg19) VCF-style: chr2-48982758-T-TGCA.
Other names: c.3442-20660GCA[6] (NM_001198593.2).
Identifiers: ClinVar variation 3020186 (VCV003020186.3), dbSNP rs1553401008, ClinGen allele CA1653495.